The following is an entry in ClinVar:

NM_000264.5(PTCH1):c.2008C>G (p.Pro670Ala)

Genes: PTCH1 (patched 1; minus strand), LOC100507346 (uncharacterized LOC100507346; plus strand). Cytogenetic location: 9q22.32.
Variant type: single nucleotide variant.
Coding change: c.2008C>G on transcript NM_000264.5 (MANE Select); coding-DNA position 2008, C replaced by G.
Protein change: p.Pro670Ala; replaces proline 670 with alanine.
Molecular consequence: missense variant. On other transcripts: non-coding transcript variant (2).
Genome position (GRCh38, 1-based): chr9:95,468,993, G>C on the plus strand (C>G on the coding strand, the complement: PTCH1 is on the minus strand). VCF-style: chr9-95468993-G-C. GRCh37 (hg19) VCF-style: chr9-98231275-G-C.
Other names: c.1810C>G, p.Pro604Ala (NM_001083602.3); c.2005C>G, p.Pro669Ala (NM_001083603.3); c.1555C>G, p.Pro519Ala (NM_001083604.3, NM_001083605.3, NM_001083606.3 and 1 more transcripts); c.1852C>G, p.Pro618Ala (NM_001354918.2); short protein forms P618A, P604A, P669A, P519A, P670A.
Identifiers: ClinVar variation 3939982 (VCV003939982.1).

ClinVar aggregate classification (germline): Uncertain significance (1 of 4 stars; one submission).

Conditions:
Hereditary cancer-predisposing syndrome. Also called: Tumor predisposition; Hereditary neoplastic syndrome; Hereditary Cancer Syndrome; Neoplastic Syndromes, Hereditary. Identifiers: Orphanet 140162, MedGen C0027672, MeSH D009386, MONDO:0015356.

Submission:

Ambry Genetics
Classification: Uncertain significance for Hereditary cancer-predisposing syndrome. Last evaluated: 2025-05-24. Review status: criteria provided, single submitter. Criteria: Ambry Variant Classification Scheme 2023. Collection method: clinical testing. Allele origin: germline.
Comment: The p.P670A variant (also known as c.2008C>G), located in coding exon 14 of the PTCH1 gene, results from a C to G substitution at nucleotide position 2008. The proline at codon 670 is replaced by alanine, an amino acid with highly similar properties. This amino acid position is conserved. In addition, this alteration is predicted to be deleterious by in silico analysis. Based on the available evidence, the clinical significance of this variant remains unclear.